The following is an entry in ClinVar:

NM_013296.5(GPSM2):c.1208T>C (p.Leu403Ser)

Gene: GPSM2 (G protein signaling modulator 2; plus strand). Cytogenetic location: 1p13.3.
Variant type: single nucleotide variant.
Coding change: c.1208T>C on transcript NM_013296.5 (MANE Select); coding-DNA position 1208, T replaced by C.
Protein change: p.Leu403Ser; replaces leucine 403 with serine.
Molecular consequence: missense variant.
Genome position (GRCh38, 1-based): chr1:108,914,353, T>C. VCF-style: chr1-108914353-T-C. GRCh37 (hg19) VCF-style: chr1-109456975-T-C.
Other names: c.1208T>C, p.Leu403Ser (NM_001321038.2, NM_001321039.3); short protein forms L403S.
Identifiers: ClinVar variation 1195161 (VCV001195161.8), dbSNP rs747510797, ClinGen allele CA982997.

ClinVar aggregate classification (germline): Uncertain significance. Review status: criteria provided, multiple submitters, no conflicts (2 of 4 stars). 3 submissions from 3 submitters: Uncertain significance (3). Last evaluated 2025-12-02.

Conditions:
Chudley-McCullough syndrome (CMCS). Also called: Deafness, autosomal recessive 82; DEAFNESS, SENSORINEURAL, WITH PARTIAL AGENESIS OF THE CORPUS CALLOSUM AND ARACHNOID CYSTS. Identifiers: Orphanet 314597, MedGen C1858695, MONDO:0011411, OMIM 604213.
Inborn genetic diseases. Identifiers: MedGen C0950123, MeSH D030342.

Allele frequency attached by ClinVar (database versions not stated): gnomAD exomes 0.00003 and 0.00002; TOPMed 0.00003; ExAC 0.00003; gnomAD 0.00003.
gnomAD v4.1: 50 of 1,612,142 alleles (0.0031%); highest among the groups gnomAD compares: Non-Finnish European, 0.0039%; no homozygotes.

Submissions (3):

Ambry Genetics
Classification: Uncertain significance for Inborn genetic diseases. Last evaluated: 2025-12-02. Review status: criteria provided, single submitter. Criteria: Ambry Variant Classification Scheme 2023. Collection method: clinical testing. Allele origin: germline.

GeneDx
Classification: Uncertain significance. Last evaluated: 2024-10-02. Review status: criteria provided, single submitter. Criteria: GeneDx Variant Classification Process June 2021. Collection method: clinical testing. Allele origin: germline. Affected: yes.
Comment: Not observed at significant frequency in large population cohorts (gnomAD); In silico analysis indicates that this missense variant does not alter protein structure/function; Has not been previously published as pathogenic or benign to our knowledge

Fulgent Genetics
Classification: Uncertain significance for Chudley-McCullough syndrome. Last evaluated: 2021-09-08. Review status: criteria provided, single submitter. Criteria: ACMG Guidelines, 2015. Collection method: clinical testing. Allele origin: unknown.